The following is an entry in ClinVar:

ClinVar aggregate classification (germline): Likely pathogenic. Review status: criteria provided, multiple submitters, no conflicts (2 of 4 stars). 2 submissions from 2 submitters: Likely pathogenic (2). Last evaluated 2025-06-16.

Conditions:
Hereditary cancer-predisposing syndrome. Also called: Tumor predisposition; Hereditary neoplastic syndrome; Neoplastic Syndromes, Hereditary; Hereditary Cancer Syndrome. Identifiers: Orphanet 140162, MedGen C0027672, MeSH D009386, MONDO:0015356.
Familial adenomatous polyposis 1 (FAP1). Also called: FAMILIAL ADENOMATOUS POLYPOSIS 1, ATTENUATED; POLYPOSIS, ADENOMATOUS INTESTINAL. Identifiers: MedGen C2713442, MONDO:0021056, OMIM 175100. Disease mechanism: loss of function.

Submissions (2):

Ambry Genetics
Classification: Likely pathogenic for Hereditary cancer-predisposing syndrome. Last evaluated: 2025-06-16. Review status: criteria provided, single submitter. Criteria: Ambry Variant Classification Scheme 2023. Collection method: clinical testing. Allele origin: germline.
Comment: The c.-192_-191delATinsTAGCAAGGG variant, located in in the 5' untranslated region (5&rsquo;UTR) of the APC gene, results from the deletion of two nucleotides and the insertion of nine nucleotides at nucleotide positions -192 to -191 upstream of the first translated codon. This alteration has been observed in individuals with a personal and/or family history that is consistent with gastric adenocarcinoma and proximal polyposis of the stomach (GAPPS) (Ambry internal data). This variant segregated with disease in at least one family with features consistent with GAPPS (Ambry internal data). Other alterations affecting these nucleotides (c.-192A>G, c.-191T>G, c.-191T>C) have been identified in GAPPS probands (Ambry internal data; Li J et al. Am. J. Hum. Genet. 2016 May;98:830-42; Roberts AG et al. JPGN Reports, 2021 Nov;2(4):e123). This region has been identified as a highly conserved transcription factor binding site for the APC 1B promoter region and point mutations have been shown to disrupt transcriptional activity (Li J et al. Am. J. Hum. Genet. 2016 May;98:830-42). This nucleotide position is highly conserved in available vertebrate species. Based on the majority of available evidence to date, this variant is likely to be pathogenic.

Labcorp Genetics (formerly Invitae), Labcorp
Classification: Likely pathogenic for Familial adenomatous polyposis 1. Last evaluated: 2018-11-20. Review status: criteria provided, single submitter. Criteria: Invitae Variant Classification Sherloc (09022015). Collection method: clinical testing. Allele origin: germline.
Comment: This variant occurs in a non-coding region of the APC gene. It does not change the encoded amino acid sequence of the APC protein. The frequency data for this variant in the population databases is considered unreliable, as metrics indicate insufficient coverage at this position in the ExAC database. While experimental studies and prediction algorithms are not available for this variant, it disrupts a region of the APC promoter that has been proposed to include the DNA binding site for the YY1 transcription factor.Â¬â€ Other variants that affect this region of the APC promoter (c.-30416G>A,Â¬â€ c.-30417T>C,Â¬â€ c.-30418A>G, and c.-30418A>T) have been shown to disrupt YY1 binding to the APC promoter and result in reduced APC expression (PMID: 20685668,Â¬â€ 21813476,Â¬â€ 27087319). Other variants that disrupt the DNA sequence in this region of the APC promoter have been observed in affected individuals (PMID: 20685668,Â¬â€ 21813476,Â¬â€ 27087319,Â¬â€ 27343414, Invitae), suggesting that integrity of this region is clinically significant. As a result, variants that disrupt this region of the APC promoter are likely to be causative of disease. In summary, the currently available evidence indicates that the variant is pathogenic, but additional data are needed to prove that conclusively. Therefore, this variant has been classified as Likely Pathogenic.

Literature cited by the submitters: PubMed 20685668 (cited by Labcorp Genetics (formerly Invitae), Labcorp).

NM_001127511.3(APC):c.-192_-191delinsTAGCAAGGG

Genes: APC (APC regulator of Wnt signaling pathway; plus strand), LOC129994371 (ATAC-STARR-seq lymphoblastoid active region 22910; plus strand). Cytogenetic location: 5q22.2.
Variant type: Indel.
Coding change: c.-192_-191delinsTAGCAAGGG on transcript NM_001127511.3; 192 bases upstream of the start codon through 191 bases upstream of the start codon, AT replaced by TAGCAAGGG.
Molecular consequence: 5 prime UTR variant. On other transcripts: non-coding transcript variant (2).
Genome position (GRCh38, 1-based): chr5:112,707,526-112,707,527, AT replaced by TAGCAAGGG. VCF-style: chr5-112707526-AT-TAGCAAGGG. GRCh37 (hg19) VCF-style: chr5-112043223-AT-TAGCAAGGG.
Other names: c.-375_-374delinsTAGCAAGGG (NM_001354895.2, NM_001407447.1, NM_001407452.1 and 3 more transcripts); c.-192_-191delinsTAGCAAGGG (NM_001354897.2, NM_001354902.2, NM_001407446.1); c.-142_-141delinsTAGCAAGGG (NM_001407448.1, NM_001407450.1, NM_001407457.1 and 1 more transcripts); c.-166_-165delinsTAGCAAGGG (NM_001407453.1); c.-1410_-1409delinsTAGCAAGGG (NM_001407470.1, NM_001407472.1).
Identifiers: ClinVar variation 652807 (VCV000652807.6), dbSNP rs1580995904, ClinGen allele CA915943578.